The following is an entry in ClinVar:

ClinVar aggregate classification (germline): Uncertain significance (1 of 4 stars; one submission).

Submission:

Greenwood Genetic Center Diagnostic Laboratories, Greenwood Genetic Center
Classification: Uncertain significance. Last evaluated: 2024-04-25. Review status: criteria provided, single submitter. Criteria: ACMG Guidelines, 2015. Collection method: clinical testing. Allele origin: germline. Affected: yes.
Comment: PM2

NM_182931.3(KMT2E):c.5375_5388del (p.Gly1792fs)

Gene: KMT2E (lysine methyltransferase 2E (inactive); plus strand). Cytogenetic location: 7q22.3.
Variant type: Deletion.
Coding change: c.5375_5388del on transcript NM_182931.3 (MANE Select); coding-DNA positions 5375 to 5388, 14 bases deleted (GTCCTCATCTCCAG).
Protein change: p.Gly1792fs; shifts the reading frame from glycine 1792.
Molecular consequence: frameshift variant.
Genome position (GRCh38, 1-based): chr7:105,113,131-105,113,144, GTCCTCATCTCCAG deleted; deleting any 14 consecutive bases within chr7:105,113,128-105,113,144 gives the same sequence; the c. name uses the placement nearest the transcript's 3' end. VCF-style (leftmost placement, unchanged base first): chr7-105113127-ACAGGTCCTCATCTC-A. GRCh37 (hg19) VCF-style: chr7-104753574-ACAGGTCCTCATCTC-A.
Other names: c.5249_5262del, p.Gly1750fs (NM_001410908.1); c.5375_5388del, p.Gly1792fs (NM_018682.4); short protein forms G1750fs, G1792fs.
Identifiers: ClinVar variation 3338597 (VCV003338597.1).